The following is an entry in ClinVar:

ClinVar aggregate classification (germline): Uncertain significance (1 of 4 stars; one submission).

Conditions:
Progressive myoclonic epilepsy type 5. Identifiers: Orphanet 402082, MedGen C5190799.

Allele frequency attached by ClinVar (database versions not stated): gnomAD exomes below 0.00001; TOPMed below 0.00001; gnomAD 0.00001.
gnomAD v4.1: 4 of 1,613,946 alleles (0.00025%); highest among the groups gnomAD compares: Non-Finnish European, 0.00034%; no homozygotes.

Submission:

Labcorp Genetics (formerly Invitae), Labcorp
Classification: Uncertain significance for Progressive myoclonic epilepsy type 5. Last evaluated: 2020-11-11. Review status: criteria provided, single submitter. Criteria: Invitae Variant Classification Sherloc (09022015). Collection method: clinical testing. Allele origin: germline.
Comment: In summary, the available evidence is currently insufficient to determine the role of this variant in disease. Therefore, it has been classified as a Variant of Uncertain Significance. Algorithms developed to predict the effect of missense changes on protein structure and function are either unavailable or do not agree on the potential impact of this missense change (SIFT: "Deleterious"; PolyPhen-2: "Benign"; Align-GVGD: "Class C65"). This variant has not been reported in the literature in individuals with PRICKLE2-related conditions. This variant is not present in population databases (ExAC no frequency). This sequence change replaces proline with histidine at codon 523 of the PRICKLE2 protein (p.Pro523His). The proline residue is highly conserved and there is a moderate physicochemical difference between proline and histidine.

NM_198859.4(PRICKLE2):c.1568C>A (p.Pro523His)

Gene: PRICKLE2 (prickle planar cell polarity protein 2; minus strand). Cytogenetic location: 3p14.1.
Variant type: single nucleotide variant.
Coding change: c.1568C>A on transcript NM_198859.4 (MANE Select); coding-DNA position 1568, C replaced by A.
Protein change: p.Pro523His; replaces proline 523 with histidine.
Molecular consequence: missense variant.
Genome position (GRCh38, 1-based): chr3:64,146,922, G>T on the plus strand (C>A on the coding strand, the complement: PRICKLE2 is on the minus strand). VCF-style: chr3-64146922-G-T. GRCh37 (hg19) VCF-style: chr3-64132598-G-T.
Other names: c.1568C>A, p.Pro523His (NM_001370528.1); short protein forms P523H.
Identifiers: ClinVar variation 1037677 (VCV001037677.5), dbSNP rs2077464822, ClinGen allele CA353428836.
Genomic context (GRCh38, chr3:64,146,922, plus strand): 5'-GAGCCCCGAGGGGTCTGCTCTGTGGGCGTCATGTCCTCTGTGTATTTCAGGGAACTGATG[G>T]GATGACGGGTCCGACACTGCTGAGTGGACAAGCCCCCTTCCTCTTCCTCTTCCTCCTCAT-3'
Protein context (NP_942559.1, residues 513-533): LSTQQCRTRH[Pro523His]ISSLKYTEDM